The following is an entry in ClinVar:

NM_004995.4(MMP14):c.505G>A (p.Glu169Lys)

Gene: MMP14 (matrix metallopeptidase 14; plus strand). Cytogenetic location: 14q11.2.
Variant type: single nucleotide variant.
Coding change: c.505G>A on transcript NM_004995.4 (MANE Select); coding-DNA position 505, G replaced by A.
Protein change: p.Glu169Lys; replaces glutamic acid 169 with lysine.
Molecular consequence: missense variant.
Genome position (GRCh38, 1-based): chr14:22,842,534, G>A. VCF-style: chr14-22842534-G-A. GRCh37 (hg19) VCF-style: chr14-23311743-G-A.
Other names: c.505G>A (NM_004995.2); short protein forms E169K.
Identifiers: ClinVar variation 1348078 (VCV001348078.9), dbSNP rs1276557075, ClinGen allele CA388930390.

ClinVar aggregate classification (germline): Uncertain significance. Review status: criteria provided, multiple submitters, no conflicts (2 of 4 stars). 2 submissions from 2 submitters: Uncertain significance (2). Last evaluated 2025-12-09.

Conditions:
Inborn genetic diseases. Identifiers: MedGen C0950123, MeSH D030342.

Allele frequency attached by ClinVar (database versions not stated): TOPMed below 0.00001; gnomAD 0.00001; gnomAD exomes 0.00001.
gnomAD v4.1: 18 of 1,614,020 alleles (0.0011%); highest among the groups gnomAD compares: Non-Finnish European, 0.0015%; no homozygotes.

Submissions (2):

Ambry Genetics
Classification: Uncertain significance for Inborn genetic diseases. Last evaluated: 2025-12-09. Review status: criteria provided, single submitter. Criteria: Ambry Variant Classification Scheme 2023. Collection method: clinical testing. Allele origin: germline.

Labcorp Genetics (formerly Invitae), Labcorp
Classification: Uncertain significance. Last evaluated: 2024-09-14. Review status: criteria provided, single submitter. Criteria: Invitae Variant Classification Sherloc (09022015). Collection method: clinical testing. Allele origin: germline.
Comment: This sequence change replaces glutamic acid, which is acidic and polar, with lysine, which is basic and polar, at codon 169 of the MMP14 protein (p.Glu169Lys). This variant is not present in population databases (gnomAD no frequency). This variant has not been reported in the literature in individuals affected with MMP14-related conditions. ClinVar contains an entry for this variant (Variation ID: 1348078). An algorithm developed to predict the effect of missense changes on protein structure and function (PolyPhen-2) suggests that this variant is likely to be tolerated. In summary, the available evidence is currently insufficient to determine the role of this variant in disease. Therefore, it has been classified as a Variant of Uncertain Significance.